The following is an entry in ClinVar:

NM_001042492.3(NF1):c.3096C>T (p.Cys1032=)

Gene: NF1 (neurofibromin 1; plus strand). Cytogenetic location: 17q11.2.
Variant type: single nucleotide variant.
Coding change: c.3096C>T on transcript NM_001042492.3 (MANE Select); coding-DNA position 3096, C replaced by T.
Protein change: p.Cys1032=; no amino-acid change (cysteine 1032 retained).
Molecular consequence: synonymous variant.
Genome position (GRCh38, 1-based): chr17:31,230,365, C>T. VCF-style: chr17-31230365-C-T. GRCh37 (hg19) VCF-style: chr17-29557383-C-T.
Other names: c.3096C>T, p.Cys1032= (NM_000267.4).
Identifiers: ClinVar variation 2014288 (VCV002014288.5), dbSNP rs747965344, ClinGen allele CA8486080.

ClinVar aggregate classification (germline): Benign/Likely benign. Review status: criteria provided, multiple submitters, no conflicts (2 of 4 stars). 2 submissions from 2 submitters: Benign (1); Likely benign (1). Last evaluated 2026-05-20.

Conditions:
Neurofibromatosis, type 1 (NF1). Also called: Neurofibromatosis, type I; NEUROFIBROMATOSIS, TYPE I, SOMATIC; Peripheral type neurofibromatosis; VON RECKLINGHAUSEN DISEASE. Identifiers: Orphanet 636, MedGen C0027831, MONDO:0018975, OMIM 162200. Disease mechanism: loss of function.

Allele frequency attached by ClinVar (database versions not stated): ExAC 0.00001; gnomAD 0.00001.

Submissions (2):

Myriad Genetics, Inc.
Classification: Benign for Neurofibromatosis, type 1. Last evaluated: 2026-05-20. Review status: criteria provided, single submitter. Criteria: Myriad Autosomal Dominant, Autosomal Recessive and X-Linked Classification Criteria (2023). Collection method: clinical testing. Allele origin: unknown.
Comment: This variant is considered benign. This variant is a silent/synonymous amino acid change and it is not expected to impact splicing.

Labcorp Genetics (formerly Invitae), Labcorp
Classification: Likely benign for Neurofibromatosis, type 1. Last evaluated: 2022-07-28. Review status: criteria provided, single submitter. Criteria: Invitae Variant Classification Sherloc (09022015). Collection method: clinical testing. Allele origin: germline.